The following is an entry in ClinVar:

ClinVar aggregate classification (germline): Uncertain significance (1 of 4 stars; one submission).

Conditions:
Malignant hyperthermia, susceptibility to, 1 (MHS1). Also called: Anesthesia related hyperthermia; Malignant hyperpyrexia; Fulminating hyperpyrexia; Pharmacogenic myopathy; RYR1-Related Malignant Hyperthermia Susceptibility; Malignant hyperthermia suceptibility 1. Identifiers: Orphanet 423, MedGen C2930980, MONDO:0007783, OMIM 145600.

Allele frequency attached by ClinVar (database versions not stated): TOPMed below 0.00001.

Submission:

All of Us Research Program, National Institutes of Health
Classification: Uncertain significance for Malignant hyperthermia, susceptibility to, 1. Last evaluated: 2023-10-02. Review status: criteria provided, single submitter. Criteria: ACMG Guidelines, 2015. Collection method: clinical testing. Allele origin: germline. Inheritance: Autosomal dominant inheritance. Observed: 1 variant allele, 1 heterozygote.
Comment: This missense variant replaces glutamic acid with alanine at codon 4683 of the RYR1 protein. Computational prediction suggests that this variant may have deleterious impact on protein structure and function (internally defined REVEL score threshold >= 0.7, PMID: 27666373). To our knowledge, functional studies have not been reported for this variant. This variant has not been reported in individuals affected with RYR1-related disorders in the literature. This variant has not been identified in the general population by the Genome Aggregation Database (gnomAD). The available evidence is insufficient to determine the role of this variant in disease conclusively. Therefore, this variant is classified as a Variant of Uncertain Significance.

This study involves interpretation of variants in research participants for the purpose of population health screening. Participant phenotype was not available at the time of variant classification. Additional details can be found in publication PMID: 35346344, PMCID: PMC8962531

NM_000540.3(RYR1):c.14048A>C (p.Glu4683Ala)

Gene: RYR1 (ryanodine receptor 1; plus strand). Cytogenetic location: 19q13.2.
Variant type: single nucleotide variant.
Coding change: c.14048A>C on transcript NM_000540.3 (MANE Select); coding-DNA position 14048, A replaced by C.
Protein change: p.Glu4683Ala; replaces glutamic acid 4683 with alanine.
Molecular consequence: missense variant.
Genome position (GRCh38, 1-based): chr19:38,573,226, A>C. VCF-style: chr19-38573226-A-C. GRCh37 (hg19) VCF-style: chr19-39063866-A-C.
Other names: c.14033A>C, p.Glu4678Ala (NM_001042723.2); short protein forms E4678A, E4683A.
Identifiers: ClinVar variation 3073568 (VCV003073568.1), dbSNP rs1973804040, ClinGen allele CA405682120.
Genomic context (GRCh38, chr19:38,573,226, plus strand): 5'-CCACTATCCAGGTGCCCCTGGTAATCTTTAAGCGGGAGAAGGAGCTGGCCCGGAAGCTGG[A>C]GTTTGATGGCCTGTACATCACGGAGCAGCCTGAGGACGATGACGTGAAGGGGCAGTGGGA-3'
Protein context (NP_000531.2, residues 4673-4693): KREKELARKL[Glu4683Ala]FDGLYITEQP